The following is an entry in ClinVar:

NM_080425.4(GNAS):c.1163C>A (p.Ala388Glu)

Gene: GNAS (GNAS complex locus; plus strand). Cytogenetic location: 20q13.32.
Variant type: single nucleotide variant.
Coding change: c.1163C>A on transcript NM_080425.4 (MANE Plus Clinical); coding-DNA position 1163, C replaced by A.
Protein change: p.Ala388Glu; replaces alanine 388 with glutamic acid.
Molecular consequence: missense variant. On other transcripts: synonymous variant (2), intron variant (3).
Genome position (GRCh38, 1-based): chr20:58,854,428, C>A. VCF-style: chr20-58854428-C-A. GRCh37 (hg19) VCF-style: chr20-57429483-C-A.
Other names: c.976C>A, p.Arg326= (NM_001077490.3, NM_001309883.1); c.1163C>A, p.Ala388Glu (NM_001410913.1); c.*42+13542C>A (NM_016592.5); c.43+13542C>A (NM_001410912.1); c.-39+12553C>A (NM_001309861.2); short protein forms A388E.
Identifiers: ClinVar variation 3057970 (VCV003057970.2), dbSNP rs868645236, ClinGen allele CA316342364.

ClinVar aggregate classification (germline): Uncertain significance (0 of 4 stars; one submission).

Conditions:
GNAS-related disorder. Identifiers: MedGen CN380105.

gnomAD v4.1: 4 of 1,571,648 alleles (0.00025%); highest among the groups gnomAD compares: African/African-American, 0.0014%; no homozygotes.

Submission:

PreventionGenetics, part of Exact Sciences
Classification: Uncertain significance for GNAS-related condition. Last evaluated: 2024-01-04. Review status: no assertion criteria provided. Collection method: clinical testing. Allele origin: germline.
Comment: The GNAS c.1163C>A variant is predicted to result in the amino acid substitution p.Ala388Glu. To our knowledge, this variant has not been reported in the literature or in a large population database, indicating this variant is rare. At this time, the clinical significance of this variant is uncertain due to the absence of conclusive functional and genetic evidence.